The following is an entry in ClinVar:

ClinVar aggregate classification (germline): Uncertain significance (1 of 4 stars; one submission).

Conditions:
Autosomal recessive limb-girdle muscular dystrophy type 2F (LGMDR6). Also called: Muscular dystrophy limb-girdle with delta-sarcoglyan deficiency; MUSCULAR DYSTROPHY, LIMB-GIRDLE, AUTOSOMAL RECESSIVE 6. Identifiers: Orphanet 219, MedGen C1832525, MONDO:0011028, OMIM 601287. Disease mechanism: Affects gamma-sarcoglycan and also disrupts the integrity of the entire sarcoglycan complex..

Submission:

Labcorp Genetics (formerly Invitae), Labcorp
Classification: Uncertain significance for Autosomal recessive limb-girdle muscular dystrophy type 2F. Last evaluated: 2021-12-11. Review status: criteria provided, single submitter. Criteria: Invitae Variant Classification Sherloc (09022015). Collection method: clinical testing. Allele origin: germline.
Comment: This sequence change replaces lysine, which is basic and polar, with arginine, which is basic and polar, at codon 138 of the SGCD protein (p.Lys138Arg). In summary, the available evidence is currently insufficient to determine the role of this variant in disease. Therefore, it has been classified as a Variant of Uncertain Significance. Algorithms developed to predict the effect of missense changes on protein structure and function output the following: SIFT: "Tolerated"; PolyPhen-2: "Benign"; Align-GVGD: "Class C0". The arginine amino acid residue is found in multiple mammalian species, which suggests that this missense change does not adversely affect protein function. This variant has not been reported in the literature in individuals affected with SGCD-related conditions. This variant is not present in population databases (gnomAD no frequency).

NM_000337.6(SGCD):c.413A>G (p.Lys138Arg)

Gene: SGCD (sarcoglycan delta; plus strand). Cytogenetic location: 5q33.3.
Variant type: single nucleotide variant.
Coding change: c.413A>G on transcript NM_000337.6 (MANE Select); coding-DNA position 413, A replaced by G.
Protein change: p.Lys138Arg; replaces lysine 138 with arginine.
Molecular consequence: missense variant.
Genome position (GRCh38, 1-based): chr5:156,594,962, A>G. VCF-style: chr5-156594962-A-G. GRCh37 (hg19) VCF-style: chr5-156021972-A-G.
Other names: c.410A>G, p.Lys137Arg (NM_001128209.2); c.413A>G, p.Lys138Arg (NM_172244.3); short protein forms K137R, K138R.
Identifiers: ClinVar variation 2039539 (VCV002039539.4), dbSNP rs1760869370, ClinGen allele CA362010372.